The following is an entry in ClinVar:

ClinVar aggregate classification (germline): Uncertain significance. Review status: criteria provided, multiple submitters, no conflicts (2 of 4 stars). 2 submissions from 2 submitters: Uncertain significance (2). Last evaluated 2025-06-12.

Conditions:
Renal dysplasia, cystic, susceptibility to. Identifiers: MedGen C3275898, MONDO:0011037, OMIM 601331.

Allele frequency attached by ClinVar (database versions not stated): gnomAD 0.00001; TOPMed 0.00002; ESP Exome Variant Server 0.00008.

Submissions (2):

Labcorp Genetics (formerly Invitae), Labcorp
Classification: Uncertain significance. Last evaluated: 2025-06-12. Review status: criteria provided, single submitter. Criteria: Invitae Variant Classification Sherloc (09022015). Collection method: clinical testing. Allele origin: germline.
Comment: This sequence change replaces methionine, which is neutral and non-polar, with valine, which is neutral and non-polar, at codon 559 of the BICC1 protein (p.Met559Val). This variant is present in population databases (rs141676023, gnomAD 0.008%). This variant has not been reported in the literature in individuals affected with BICC1-related conditions. ClinVar contains an entry for this variant (Variation ID: 1973759). An algorithm developed to predict the effect of missense changes on protein structure and function (PolyPhen-2) suggests that this variant is likely to be tolerated. In summary, the available evidence is currently insufficient to determine the role of this variant in disease. Therefore, it has been classified as a Variant of Uncertain Significance.

Fulgent Genetics
Classification: Uncertain significance for Renal dysplasia, cystic, susceptibility to. Last evaluated: 2024-06-11. Review status: criteria provided, single submitter. Criteria: ACMG Guidelines, 2015. Collection method: clinical testing. Allele origin: germline.

NM_001080512.3(BICC1):c.1675A>G (p.Met559Val)

Gene: BICC1 (BicC family RNA binding protein 1; plus strand). Cytogenetic location: 10q21.1.
Variant type: single nucleotide variant.
Coding change: c.1675A>G on transcript NM_001080512.3 (MANE Select); coding-DNA position 1675, A replaced by G.
Protein change: p.Met559Val; replaces methionine 559 with valine.
Molecular consequence: missense variant.
Genome position (GRCh38, 1-based): chr10:58,799,202, A>G. VCF-style: chr10-58799202-A-G. GRCh37 (hg19) VCF-style: chr10-60558962-A-G.
Other names: short protein forms M559V.
Identifiers: ClinVar variation 1973759 (VCV001973759.6), dbSNP rs141676023, ClinGen allele CA207280587.